The following is an entry in ClinVar:

NM_001267550.2(TTN):c.15544G>A (p.Gly5182Arg)

Gene: TTN (titin; minus strand). Cytogenetic location: 2q31.2.
Variant type: single nucleotide variant.
Coding change: c.15544G>A on transcript NM_001267550.2 (MANE Select); coding-DNA position 15544, G replaced by A.
Protein change: p.Gly5182Arg; replaces glycine 5182 with arginine.
Molecular consequence: missense variant. On other transcripts: intron variant (3).
Genome position (GRCh38, 1-based): chr2:178,733,845, C>T on the plus strand (G>A on the coding strand, the complement: TTN is on the minus strand). VCF-style: chr2-178733845-C-T. GRCh37 (hg19) VCF-style: chr2-179598572-C-T.
Other names: c.14593G>A, p.Gly4865Arg (NM_001256850.1); c.11812G>A, p.Gly3938Arg (NM_133378.4); c.13282+4237G>A (NM_003319.4); c.13858+4237G>A (NM_133437.4); c.13657+4237G>A (NM_133432.3); short protein forms G3938R, G5182R, G4865R.
Identifiers: ClinVar variation 192030 (VCV000192030.3), dbSNP rs775552018, ClinGen allele CA238144.

ClinVar aggregate classification (germline): Conflicting classifications of pathogenicity. Review status: criteria provided, conflicting classifications (1 of 4 stars). 2 submissions from 2 submitters: Uncertain significance (1); Likely benign (1). Last evaluated 2018-04-16.

Allele frequency attached by ClinVar (database versions not stated): TOPMed 0.00001; ExAC 0.00002; gnomAD exomes 0.00002; gnomAD 0.00001.
gnomAD v4.1: 8 of 1,608,098 alleles (0.0005%); highest among the groups gnomAD compares: East Asian, 0.013%; no homozygotes.

Submissions (2):

GeneDx
Classification: Likely benign. Last evaluated: 2018-04-16. Review status: criteria provided, single submitter. Criteria: GeneDx Variant Classification (06012015). Collection method: clinical testing. Allele origin: germline. Affected: yes.
Comment: This variant is considered likely benign or benign based on one or more of the following criteria: it is a conservative change, it occurs at a poorly conserved position in the protein, it is predicted to be benign by multiple in silico algorithms, and/or has population frequency not consistent with disease.

Biesecker Lab/Clinical Genomics Section, National Institutes of Health
Classification: Uncertain significance. Last evaluated: 2013-06-24. Review status: criteria provided, single submitter. Criteria: Ng et al. (Circ Cardiovasc Genet. 2013). Collection method: research. Allele origin: unknown. Observed: 1 variant allele. Study: ClinSeq.
Comment: The study set was not selected for affection status in relation to any cancer. Pathogenicity categories were based on literature curation. See Pubmed ID:23861362 for details.

Medical sequencing